The following is an entry in ClinVar:

NM_001004334.4(GPR179):c.1558G>T (p.Ala520Ser)

Gene: GPR179 (G protein-coupled receptor 179; minus strand). Cytogenetic location: 17q12.
Variant type: single nucleotide variant.
Coding change: c.1558G>T on transcript NM_001004334.4 (MANE Select); coding-DNA position 1558, G replaced by T.
Protein change: p.Ala520Ser; replaces alanine 520 with serine.
Molecular consequence: missense variant.
Genome position (GRCh38, 1-based): chr17:38,335,120, C>A on the plus strand (G>T on the coding strand, the complement: GPR179 is on the minus strand). VCF-style: chr17-38335120-C-A. GRCh37 (hg19) VCF-style: chr17-36491003-C-A.
Other names: c.1558G>T (NM_001004334.2, NM_001004334.3); short protein forms A520S.
Identifiers: ClinVar variation 1630726 (VCV001630726.14), dbSNP rs201283251, ClinGen allele CA290108647.

ClinVar aggregate classification (germline): Conflicting classifications of pathogenicity. Review status: criteria provided, conflicting classifications (1 of 4 stars). 5 submissions from 5 submitters: Uncertain significance (1); Likely benign (3). 1 of the submissions does not count toward it. Last evaluated 2026-01-21.

Conditions:
Inborn genetic diseases. Identifiers: MedGen C0950123, MeSH D030342.
GPR179-related disorder. Also called: GPR179-related condition.

Allele frequency attached by ClinVar (database versions not stated): ExAC 0.00040; 1000 Genomes Project 0.00080; 1000 Genomes Project 30x 0.00094; ESP Exome Variant Server 0.00117.
gnomAD v4.1: 286 of 1,608,668 alleles (0.018%); highest among the groups gnomAD compares: African/African-American, 0.34%; no homozygotes.

Submissions (5):

Labcorp Genetics (formerly Invitae), Labcorp
Classification: Likely benign. Last evaluated: 2026-01-21. Review status: criteria provided, single submitter. Criteria: Invitae Variant Classification Sherloc (09022015). Collection method: clinical testing. Allele origin: germline.

Blueprint Genetics
Classification: Likely benign. Last evaluated: 2024-10-15. Review status: criteria provided, single submitter. Criteria: ACMG Guidelines, 2015. Collection method: clinical testing. Allele origin: germline.

Ambry Genetics
Classification: Uncertain significance for Inborn genetic diseases. Last evaluated: 2023-03-02. Review status: criteria provided, single submitter. Criteria: Ambry Variant Classification Scheme 2023. Collection method: clinical testing. Allele origin: germline.

Breakthrough Genomics
Classification: Likely benign. Review status: criteria provided, single submitter. Criteria: ACMG Guidelines, 2015. Collection method: not provided. Allele origin: germline. Inheritance: Autosomal recessive inheritance. Affected: yes.

PreventionGenetics, part of Exact Sciences
Classification: Likely benign for GPR179-related condition. Last evaluated: 2023-04-26. Review status: no assertion criteria provided. Collection method: clinical testing. Allele origin: germline. Not counted in ClinVar's aggregate classification.
Comment: This variant is classified as likely benign based on ACMG/AMP sequence variant interpretation guidelines (Richards et al. 2015 PMID: 25741868, with internal and published modifications).